The following is an entry in ClinVar:

ClinVar aggregate classification (germline): Benign (1 of 4 stars; one submission).

Allele frequency attached by ClinVar (database versions not stated): TOPMed 0.09930; gnomAD 0.10249 and 0.10553; 1000 Genomes Project 30x 0.12539; 1000 Genomes Project 0.13379.
gnomAD v4.1: 16,158 of 152,132 alleles (11%); highest among the groups gnomAD compares: East Asian, 22%; 1,013 homozygotes.

Submission:

GeneDx
Classification: Benign. Last evaluated: 2018-06-19. Review status: criteria provided, single submitter. Criteria: GeneDx Variant Classification (06012015). Collection method: clinical testing. Allele origin: germline. Affected: yes.
Comment: This variant is considered likely benign or benign based on one or more of the following criteria: it is a conservative change, it occurs at a poorly conserved position in the protein, it is predicted to be benign by multiple in silico algorithms, and/or has population frequency not consistent with disease.

NM_001377.3(DYNC2H1):c.4762+289T>C

Gene: DYNC2H1 (dynein cytoplasmic 2 heavy chain 1; plus strand). Cytogenetic location: 11q22.3.
Variant type: single nucleotide variant.
Coding change: c.4762+289T>C on transcript NM_001377.3 (MANE Select); 289 bases into the intron after coding-DNA position 4762, T replaced by C.
Molecular consequence: intron variant.
Genome position (GRCh38, 1-based): chr11:103,166,337, T>C. VCF-style: chr11-103166337-T-C. GRCh37 (hg19) VCF-style: chr11-103037066-T-C.
Other names: c.4762+289T>C (NM_001080463.2).
Identifiers: ClinVar variation 674176 (VCV000674176.1), dbSNP rs11225576, ClinGen allele CA13491069.